The following is an entry in ClinVar:

NM_000535.7(PMS2):c.989-16T>C

Gene: PMS2 (PMS1 homolog 2, mismatch repair system component; minus strand). Cytogenetic location: 7p22.1.
Variant type: single nucleotide variant.
Coding change: c.989-16T>C on transcript NM_000535.7 (MANE Select); 16 bases into the intron before coding-DNA position 989, T replaced by C.
Molecular consequence: intron variant.
Genome position (GRCh38, 1-based): chr7:5,989,971, A>G on the plus strand (T>C on the coding strand, the complement: PMS2 is on the minus strand). VCF-style: chr7-5989971-A-G. GRCh37 (hg19) VCF-style: chr7-6029602-A-G.
Other names: c.671-16T>C (NM_001322008.2, NM_001406883.1, NM_001406903.1 and 2 more transcripts); c.680-16T>C (NM_001406881.1, NM_001406879.1, NM_001322015.2 and 5 more transcripts); c.584-16T>C (NM_001406895.1, NM_001322004.2, NM_001406889.1 and 16 more transcripts); c.218-16T>C (NM_001406911.1); c.583+2002T>C (NM_001322010.2, NM_001406906.1, NM_001406907.1); c.670+2002T>C (NM_001406902.1, NM_001406901.1); c.476-16T>C (NM_001406904.1, NM_001406905.1); c.416-16T>C (NM_001322013.2, NM_001406909.1); and 13 more.
Identifiers: ClinVar variation 3903642 (VCV003903642.1).

ClinVar aggregate classification (germline): Likely benign (1 of 4 stars; one submission).

Conditions:
Lynch syndrome 4 (LYNCH4). Also called: Colorectal cancer, hereditary nonpolyposis, type 4; Hereditary non-polyposis colorectal cancer, type 4. Identifiers: Orphanet 144, MedGen C1838333, MONDO:0013699, OMIM 614337. Disease mechanism: loss of function.

gnomAD v4.1: 1 of 1,505,408 alleles (0.000066%); highest among the groups gnomAD compares: Non-Finnish European, 0.000092%; no homozygotes.

Submission:

Myriad Genetics, Inc.
Classification: Likely benign for Lynch syndrome 4. Last evaluated: 2025-01-29. Review status: criteria provided, single submitter. Criteria: Myriad Autosomal Dominant, Autosomal Recessive and X-Linked Classification Criteria (2023). Collection method: clinical testing. Allele origin: unknown.
Comment: This variant is considered likely benign. This variant is intronic and is not expected to impact mRNA splicing.